The following is an entry in ClinVar:

NM_000048.4(ASL):c.135C>T (p.Tyr45=)

Gene: ASL (argininosuccinate lyase; plus strand). Cytogenetic location: 7q11.21.
Variant type: single nucleotide variant.
Coding change: c.135C>T on transcript NM_000048.4 (MANE Select); coding-DNA position 135, C replaced by T.
Protein change: p.Tyr45=; no amino-acid change (tyrosine 45 retained).
Molecular consequence: synonymous variant.
Genome position (GRCh38, 1-based): chr7:66,081,925, C>T. VCF-style: chr7-66081925-C-T. GRCh37 (hg19) VCF-style: chr7-65546912-C-T.
Other names: c.135C>T, p.Tyr45= (NM_001024943.2, NM_001024944.2, NM_001024946.2).
Identifiers: ClinVar variation 459920 (VCV000459920.12), dbSNP rs200619443, ClinGen allele CA4276834.

ClinVar aggregate classification (germline): Likely benign. Review status: criteria provided, multiple submitters, no conflicts (2 of 4 stars). 2 submissions from 2 submitters: Likely benign (2). Last evaluated 2026-07-01.

Conditions:
Argininosuccinate lyase deficiency. Also called: Argininosuccinic aciduria; ARGININOSUCCINIC ACID LYASE DEFICIENCY; ASL DEFICIENCY. Identifiers: Orphanet 23, MedGen C0268547, MONDO:0008815, OMIM 207900, HP:0025630.

Allele frequency attached by ClinVar (database versions not stated): gnomAD exomes 0.00009 and 0.00023; ExAC 0.00011; gnomAD 0.00011 and 0.00014; TOPMed 0.00012.

Submissions (2):

CeGaT Center for Human Genetics Tuebingen
Classification: Likely benign. Last evaluated: 2026-07-01. Review status: criteria provided, single submitter. Criteria: CeGaT Center For Human Genetics Tuebingen Variant Classification Criteria Version 2. Collection method: clinical testing. Allele origin: germline. Affected: yes. Observed: 1 variant allele.
Comment: ASL: BP4, BP7

Labcorp Genetics (formerly Invitae), Labcorp
Classification: Likely benign for Argininosuccinate lyase deficiency. Last evaluated: 2025-10-24. Review status: criteria provided, single submitter. Criteria: Invitae Variant Classification Sherloc (09022015). Collection method: clinical testing. Allele origin: germline.